The following is an entry in ClinVar:

NM_001943.5(DSG2):c.2589G>A (p.Met863Ile)

Genes: DSG2-AS1 (DSG2 antisense RNA 1; minus strand), DSG2 (desmoglein 2; plus strand). Cytogenetic location: 18q12.1.
Variant type: single nucleotide variant.
Coding change: c.2589G>A on transcript NM_001943.5 (MANE Select); coding-DNA position 2589, G replaced by A.
Protein change: p.Met863Ile; replaces methionine 863 with isoleucine.
Molecular consequence: missense variant.
Genome position (GRCh38, 1-based): chr18:31,545,975, G>A. VCF-style: chr18-31545975-G-A. GRCh37 (hg19) VCF-style: chr18-29125938-G-A.
Other names: c.2589G>A (LRG_397t1); short protein forms M863I.
Identifiers: ClinVar variation 652167 (VCV000652167.7), dbSNP rs375955157, ClinGen allele CA046554.
Genomic context (GRCh38, chr18:31,545,975, plus strand): 5'-AAAAATAGATATAAATAAGGAAATTGAGCAGAGACAAAAACCTGCCACAGAAACAAGTAT[G>A]AACACAGCTTCACATTCACTCTGTGAGCAAACTATGGTTAATTCAGAGAATACCTACTCC-3'
Protein context (NP_001934.2, residues 853-873): QRQKPATETS[Met863Ile]NTASHSLCEQ

ClinVar aggregate classification (germline): Uncertain significance. Review status: criteria provided, multiple submitters, no conflicts (2 of 4 stars). 2 submissions from 2 submitters: Uncertain significance (2). Last evaluated 2025-03-20.

Conditions:
Arrhythmogenic right ventricular dysplasia 10. Also called: ARRHYTHMOGENIC RIGHT VENTRICULAR DYSPLASIA, FAMILIAL, 10; Arrhythmogenic Right Ventricular Dysplasia/Cardiomyopathy10; Arrhythmogenic right ventricular dysplasia/cardiomyopathy, type 10. Identifiers: MedGen C1857777, MONDO:0012434, OMIM 610193.
Dilated cardiomyopathy 1BB (CMD1BB). Also called: CARDIOMYOPATHY, DILATED, 1BB, SUSCEPTIBILITY TO. Identifiers: Orphanet 154, MedGen C2752072, MONDO:0013030, OMIM 612877.

Allele frequency attached by ClinVar (database versions not stated): gnomAD exomes below 0.00001; ExAC 0.00001; gnomAD 0.00001; TOPMed 0.00001; ESP Exome Variant Server 0.00008.
gnomAD v4.1: 2 of 1,614,012 alleles (0.00012%); highest among the groups gnomAD compares: African/African-American, 0.0013%; no homozygotes.

Submissions (2):

Labcorp Genetics (formerly Invitae), Labcorp
Classification: Uncertain significance for Arrhythmogenic right ventricular dysplasia 10. Last evaluated: 2025-03-20. Review status: criteria provided, single submitter. Criteria: Invitae Variant Classification Sherloc (09022015). Collection method: clinical testing. Allele origin: germline.
Comment: This sequence change replaces methionine, which is neutral and non-polar, with isoleucine, which is neutral and non-polar, at codon 863 of the DSG2 protein (p.Met863Ile). This variant is present in population databases (rs375955157, gnomAD 0.007%). This variant has not been reported in the literature in individuals affected with DSG2-related conditions. ClinVar contains an entry for this variant (Variation ID: 652167). Invitae Evidence Modeling of protein sequence and biophysical properties (such as structural, functional, and spatial information, amino acid conservation, physicochemical variation, residue mobility, and thermodynamic stability) indicates that this missense variant is not expected to disrupt DSG2 protein function with a negative predictive value of 95%. In summary, the available evidence is currently insufficient to determine the role of this variant in disease. Therefore, it has been classified as a Variant of Uncertain Significance.

Fulgent Genetics
Classification: Uncertain significance for Arrhythmogenic right ventricular dysplasia 10; Dilated cardiomyopathy 1BB. Last evaluated: 2021-10-11. Review status: criteria provided, single submitter. Criteria: ACMG Guidelines, 2015. Collection method: clinical testing. Allele origin: unknown.